The following is an entry in ClinVar:

NM_001379029.1(CERT1):c.397A>G (p.Met133Val)

Gene: CERT1 (ceramide transporter 1; minus strand). Cytogenetic location: 5q13.3.
Variant type: single nucleotide variant.
Coding change: c.397A>G on transcript NM_001379029.1 (MANE Select); coding-DNA position 397, A replaced by G.
Protein change: p.Met133Val; replaces methionine 133 with valine.
Molecular consequence: missense variant.
Genome position (GRCh38, 1-based): chr5:75,426,430, T>C on the plus strand (A>G on the coding strand, the complement: CERT1 is on the minus strand). VCF-style: chr5-75426430-T-C. GRCh37 (hg19) VCF-style: chr5-74722255-T-C.
Other names: c.781A>G, p.Met261Val (NM_001130105.1); c.397A>G, p.Met133Val (NM_001379002.1, NM_001379003.1, NM_001379004.1 and 2 more transcripts); short protein forms M261V, M133V.
Identifiers: ClinVar variation 2523285 (VCV002523285.3), dbSNP rs751274580, ClinGen allele CA3309280.

ClinVar aggregate classification (germline): Uncertain significance. Review status: criteria provided, multiple submitters, no conflicts (2 of 4 stars). 2 submissions from 2 submitters: Uncertain significance (2). Last evaluated 2023-05-23.

Conditions:
Inborn genetic diseases. Identifiers: MedGen C0950123, MeSH D030342.

Allele frequency attached by ClinVar (database versions not stated): gnomAD exomes 0.00001; ExAC 0.00002.

Submissions (2):

Ambry Genetics
Classification: Uncertain significance for Inborn genetic diseases. Last evaluated: 2023-05-23. Review status: criteria provided, single submitter. Criteria: Ambry Variant Classification Scheme 2023. Collection method: clinical testing. Allele origin: germline.

GeneDx
Classification: Uncertain significance. Last evaluated: 2023-01-27. Review status: criteria provided, single submitter. Criteria: GeneDx Variant Classification Process June 2021. Collection method: clinical testing. Allele origin: germline. Affected: yes.
Comment: In silico analysis supports that this missense variant does not alter protein structure/function; Has not been previously published as pathogenic or benign to our knowledge